The following is an entry in ClinVar:

ClinVar aggregate classification (germline): Pathogenic. Review status: criteria provided, multiple submitters, no conflicts (2 of 4 stars). 13 submissions from 13 submitters: Pathogenic (10). 3 of the submissions do not count toward it. Last evaluated 2025-11-03.

Conditions:
IDS-related disorder. Also called: IDS-related condition.
Mucopolysaccharidosis, MPS-II (MPS2). Also called: Mucopolysaccharidosis with skin involvement; IDS deficiency; Sulfoiduronate sulfatase deficiency; SIDS deficiency; Attenuated MPS (subtype; formerly known as mild MPS II); Severe MPS II. Identifiers: Orphanet 580, Orphanet 79388, MedGen C0026705, MONDO:0010674, OMIM 309900.
Mucopolysaccharidosis, MPS-III-A (MPS3A). Also called: Mucopolysaccharidosis, type IIIA; MPS III A; Mucopolysaccharidosis type IIIA (Sanfilippo A); SANFILIPPO SYNDROME A; SULFAMIDASE DEFICIENCY; mucopolysaccharidosis type 3A. Identifiers: Orphanet 581, Orphanet 79269, MedGen C0086647, MONDO:0009655, OMIM 252900.

Allele frequency attached by ClinVar (database versions not stated): TOPMed 0.00001.

Submissions (13):

3billion
Classification: Pathogenic for Mucopolysaccharidosis, MPS-II. Last evaluated: 2025-11-03. Review status: criteria provided, single submitter. Criteria: ACMG Guidelines, 2015. Collection method: clinical testing. Allele origin: germline. Affected: yes.
Comment: The variant is observed at an extremely low frequency in the gnomAD v4.1.0 dataset (total allele frequency: <0.001%). Predicted Consequence/Location: Stop-gained (nonsense): predicted to result in a loss or disruption of normal protein function through protein truncation. Multiple pathogenic variants are reported in the predicted truncated region. In silico tool prediction suggests damaging effect of the variant on gene or gene product [3Cnet: 1.00 (damaging >0.75, benign <0.1)]. The variant has been reported at least twice as pathogenic with clinical assertions and evidence for the classification (ClinVar ID: VCV000010486 /PMID: 1303211 /3billion dataset). Therefore, this variant is classified as Pathogenic according to the recommendation of ACMG/AMP guideline.

Labcorp Genetics (formerly Invitae), Labcorp
Classification: Pathogenic for Mucopolysaccharidosis, MPS-II. Last evaluated: 2025-11-03. Review status: criteria provided, single submitter. Criteria: Invitae Variant Classification Sherloc (09022015). Collection method: clinical testing. Allele origin: germline.
Comment: This sequence change creates a premature translational stop signal (p.Arg443*) in the IDS gene. While this is not anticipated to result in nonsense mediated decay, it is expected to disrupt the last 108 amino acid(s) of the IDS protein. This variant is not present in population databases (gnomAD no frequency). This premature translational stop signal has been observed in individuals with mucopolysaccharidosis II (PMID: 1303211, 18500569, 21291454, 21829674, 27146977). ClinVar contains an entry for this variant (Variation ID: 10486). Experimental studies and prediction algorithms are not available or were not evaluated, and the functional significance of this variant is currently unknown. For these reasons, this variant has been classified as Pathogenic.

Foundation for Research in Genetics and Endocrinology, FRIGE's Institute of Human Genetics
Classification: Pathogenic for Mucopolysaccharidosis, MPS-II. Last evaluated: 2025-10-08. Review status: criteria provided, single submitter. Criteria: ACMG Guidelines, 2015. Collection method: clinical testing. Allele origin: germline. Inheritance: X-linked recessive inheritance. Affected: yes. Observed: 1 hemizygote.
Comment: A hemizygous nonsense variant in exon 9 of the IDS gene that results in the stop codon and truncation of the protein at codon 443 was detected. The observed variant c.1327C>T (p.Arg443Ter) has not been reported in the 1000 genomes and gnomAD databases. The in silico prediction of the variant is deleterious by MutationTaster2 and DANN. The variant has previously been reported in patients with MPS II (PMID:21291454). In summary, the variant meets our criteria to be classified as pathogenic.

Laboratory of Genetics, Children's Clinical University Hospital Latvia
Classification: Pathogenic. Last evaluated: 2025-02-16. Review status: criteria provided, single submitter. Criteria: ACMG Guidelines, 2015. Collection method: clinical testing. Allele origin: germline. Affected: yes.

Laboratory of Diagnosis and Therapy of Lysosomal Disorders, University of Padova
Classification: Pathogenic for Mucopolysaccharidosis, MPS-II. Last evaluated: 2024-06-07. Review status: criteria provided, single submitter. Criteria: ACMG Guidelines, 2015. Collection method: literature only. Allele origin: germline. Affected: yes. Observed: 55 variant alleles.
Comment: Null variant (PVS1_Strong), In vitro or in vivo functional studies supportive of a damaging effect (PS3_Moderate), Prevalence of the variant significantly increased in affected individuals compared with controls (PS4_Strong), Absent from controls (or at low frequency) in gnomAD database (PM2_Moderate), Cosegregation with disease in multiple affected family members (PP1_Moderate), Patient’s phenotype or family history highly specific for the disease (PP4_Moderate)

Classification method: ACMG Guidelines [PMID:25741868] with modifications

Blueprint Genetics
Classification: Pathogenic for IDS-related disorders. Last evaluated: 2023-11-02. Review status: criteria provided, single submitter. Criteria: ACMG Guidelines, 2015. Collection method: clinical testing. Allele origin: germline. Affected: yes. Observed: 3 variant alleles.

Centre of Medical Genetics, University Hospital Muenster
Classification: Pathogenic. Last evaluated: 2021-12-20. Review status: criteria provided, single submitter. Criteria: ACMG Guidelines, 2015. Collection method: clinical testing. Allele origin: unknown. Affected: yes. Observed: 1 variant allele, 1 homozygote.
Comment: ACMG categories: PVS1,PM2,PP5

Genome-Nilou Lab
Classification: Pathogenic for Mucopolysaccharidosis, MPS-II. Last evaluated: 2021-09-05. Review status: criteria provided, single submitter. Criteria: ACMG Guidelines, 2015. Collection method: clinical testing. Allele origin: germline. Affected: no.

IIFP, CONICET-UNLP
Classification: Pathogenic for Mucopolysaccharidosis, MPS-II. Last evaluated: 2012-12-13. Review status: criteria provided, single submitter. Criteria: ACMG Guidelines, 2007. Collection method: research. Allele origin: maternal. Inheritance: X-linked inheritance. Affected: yes. Observed: 1 variant allele.

Department of Medical Genetics, Sanjay Gandhi Post Graduate Institute of Medical Sciences
Classification: Pathogenic for Mucopolysaccharidosis, MPS-II. Review status: criteria provided, single submitter. Criteria: ACMG Guidelines, 2015. Collection method: clinical testing. Allele origin: germline. Inheritance: X-linked recessive inheritance. Affected: yes. Observed: 1 variant allele, 1 hemizygote.

Natera, Inc.
Classification: Pathogenic for Mucopolysaccharidosis type IIIA. Last evaluated: 2020-12-08. Review status: no assertion criteria provided. Collection method: clinical testing. Allele origin: germline. Not counted in ClinVar's aggregate classification.

Beijing Key Laboratory for Genetic Research of Skeletal Deformity, Peking Union Medical College Hospital
Classification: Pathogenic for Mucopolysaccharidosis, MPS-II. Last evaluated: 2019-05-31. Review status: no assertion criteria provided. Collection method: research. Allele origin: de novo. Affected: yes. Not counted in ClinVar's aggregate classification.

OMIM
Classification: Pathogenic for MUCOPOLYSACCHARIDOSIS, TYPE II. Last evaluated: 1993-01-01. Review status: no assertion criteria provided. Collection method: literature only. Allele origin: germline. Not counted in ClinVar's aggregate classification.

Literature cited by the submitters: PubMed 1303211 (cited by 4 submitters); PubMed 18500569 (cited by Labcorp Genetics (formerly Invitae), Labcorp and Laboratory of Diagnosis and Therapy of Lysosomal Disorders, University of Padova); PubMed 21291454 (cited by Labcorp Genetics (formerly Invitae), Labcorp and Laboratory of Diagnosis and Therapy of Lysosomal Disorders, University of Padova); PubMed 21829674 (cited by Labcorp Genetics (formerly Invitae), Labcorp and Laboratory of Diagnosis and Therapy of Lysosomal Disorders, University of Padova); PubMed 27146977 (cited by Labcorp Genetics (formerly Invitae), Labcorp and Laboratory of Diagnosis and Therapy of Lysosomal Disorders, University of Padova); PubMed 35144014 (cited by Laboratory of Diagnosis and Therapy of Lysosomal Disorders, University of Padova); PubMed 27896113 (cited by Laboratory of Diagnosis and Therapy of Lysosomal Disorders, University of Padova); PubMed 24125893 (cited by Laboratory of Diagnosis and Therapy of Lysosomal Disorders, University of Padova); PubMed 8281149 (cited by Laboratory of Diagnosis and Therapy of Lysosomal Disorders, University of Padova); PubMed 27883178 (cited by Laboratory of Diagnosis and Therapy of Lysosomal Disorders, University of Padova); PubMed 11462244 (cited by Laboratory of Diagnosis and Therapy of Lysosomal Disorders, University of Padova); PubMed 9660053 (cited by Laboratory of Diagnosis and Therapy of Lysosomal Disorders, University of Padova); PubMed 9452044 (cited by Laboratory of Diagnosis and Therapy of Lysosomal Disorders, University of Padova); PubMed 10447264 (cited by Laboratory of Diagnosis and Therapy of Lysosomal Disorders, University of Padova); PubMed 8111411 (cited by Laboratory of Diagnosis and Therapy of Lysosomal Disorders, University of Padova); PubMed 9501270 (cited by Laboratory of Diagnosis and Therapy of Lysosomal Disorders, University of Padova); PubMed 7887413 (cited by Laboratory of Diagnosis and Therapy of Lysosomal Disorders, University of Padova); PubMed 33960103 (cited by Laboratory of Diagnosis and Therapy of Lysosomal Disorders, University of Padova); PubMed 9921913 (cited by Laboratory of Diagnosis and Therapy of Lysosomal Disorders, University of Padova); PubMed 27246110 (cited by Laboratory of Diagnosis and Therapy of Lysosomal Disorders, University of Padova); PubMed 11683780 (cited by Laboratory of Diagnosis and Therapy of Lysosomal Disorders, University of Padova); PubMed 26897145 (cited by Laboratory of Diagnosis and Therapy of Lysosomal Disorders, University of Padova); PubMed 23232253 (cited by Laboratory of Diagnosis and Therapy of Lysosomal Disorders, University of Padova); PubMed 8940265 (cited by Laboratory of Diagnosis and Therapy of Lysosomal Disorders, University of Padova); PubMed 29671225 (cited by Laboratory of Diagnosis and Therapy of Lysosomal Disorders, University of Padova); PubMed 33676511 (cited by Laboratory of Diagnosis and Therapy of Lysosomal Disorders, University of Padova); PubMed 21108396 (cited by Laboratory of Diagnosis and Therapy of Lysosomal Disorders, University of Padova); PubMed 7581397 (cited by Laboratory of Diagnosis and Therapy of Lysosomal Disorders, University of Padova); PubMed 9875019 (cited by Laboratory of Diagnosis and Therapy of Lysosomal Disorders, University of Padova); PubMed 30639582 (cited by Laboratory of Diagnosis and Therapy of Lysosomal Disorders, University of Padova); PubMed 36713083 (cited by Laboratory of Diagnosis and Therapy of Lysosomal Disorders, University of Padova); PubMed 36945845 (cited by Laboratory of Diagnosis and Therapy of Lysosomal Disorders, University of Padova); DOI 10.1016/j.ymgmr.2014.08.006 (cited by IIFP, CONICET-UNLP); PubMed 1550586 (cited by OMIM); PubMed 8318991 (cited by OMIM).

NM_000202.8(IDS):c.1327C>T (p.Arg443Ter)

Gene: IDS (iduronate 2-sulfatase; minus strand). Cytogenetic location: Xq28.
Variant type: single nucleotide variant.
Coding change: c.1327C>T on transcript NM_000202.8 (MANE Select); coding-DNA position 1327, C replaced by T.
Protein change: p.Arg443Ter; replaces arginine 443 with a stop codon.
Molecular consequence: nonsense.
Genome position (GRCh38, 1-based): chrX:149,483,072, G>A on the plus strand (C>T on the coding strand, the complement: IDS is on the minus strand). VCF-style: chrX-149483072-G-A. GRCh37 (hg19) VCF-style: chrX-148564603-G-A.
Other names: p.Arg443Ter; c.1057C>T, p.Arg353Ter (NM_001166550.4); short protein forms R443*, R353*.
Identifiers: ClinVar variation 10486 (VCV000010486.26), dbSNP rs199422227, ClinGen allele CA340985.
Genomic context (GRCh38, chrX:149,483,072, plus strand): 5'-AGGCAATCAGTTCACGGGGATTACCAGGGAGGTACGGATCCTCTTCCAAGTCACGGAATC[G>A]AAAATGCTTCAGAAGGTTCTTGCCTTCTCTGCACAGCTCAACGTGAAATGAAGGAACGGG-3'